The following is an entry in ClinVar:

ClinVar aggregate classification (germline): Likely benign (0 of 4 stars; one submission).

Conditions:
TNFRSF25-related disorder. Also called: TNFRSF25-related condition.

Allele frequency attached by ClinVar (database versions not stated): gnomAD exomes below 0.00001; TOPMed below 0.00001; ExAC 0.00001.

Submission:

PreventionGenetics, part of Exact Sciences
Classification: Likely benign for TNFRSF25-related condition. Last evaluated: 2019-07-31. Review status: no assertion criteria provided. Collection method: clinical testing. Allele origin: germline.
Comment: This variant is classified as likely benign based on ACMG/AMP sequence variant interpretation guidelines (Richards et al. 2015 PMID: 25741868, with internal and published modifications).

NM_003790.3(TNFRSF25):c.696C>T (p.Pro232=)

Gene: TNFRSF25 (TNF receptor superfamily member 25; minus strand). Cytogenetic location: 1p36.31.
Variant type: single nucleotide variant.
Coding change: c.696C>T on transcript NM_003790.3 (MANE Select); coding-DNA position 696, C replaced by T.
Protein change: p.Pro232=; no amino-acid change (proline 232 retained).
Molecular consequence: synonymous variant. On other transcripts: intron variant (2).
Genome position (GRCh38, 1-based): chr1:6,462,873, G>A on the plus strand (C>T on the coding strand, the complement: TNFRSF25 is on the minus strand). VCF-style: chr1-6462873-G-A. GRCh37 (hg19) VCF-style: chr1-6522933-G-A.
Other names: c.723C>T, p.Pro241= (NM_148965.2); c.561C>T, p.Pro187= (NM_148967.2); c.161-210C>T (NM_148970.2); c.598+199C>T (NM_148966.2).
Identifiers: ClinVar variation 3034589 (VCV003034589.2), dbSNP rs751117249, ClinGen allele CA560774.